The following is an entry in ClinVar:

ClinVar aggregate classification (germline): Conflicting classifications of pathogenicity. Review status: criteria provided, conflicting classifications (1 of 4 stars). 2 submissions from 2 submitters: Uncertain significance (1); Likely benign (1). Last evaluated 2024-11-14.

Conditions:
Cardiovascular phenotype. Identifiers: MedGen CN230736.

Allele frequency attached by ClinVar (database versions not stated): ExAC 0.00001; gnomAD exomes 0.00002; TOPMed 0.00004; gnomAD 0.00005 and 0.00006.
gnomAD v4.1: 40 of 1,613,156 alleles (0.0025%); highest among the groups gnomAD compares: African/African-American, 0.015%; no homozygotes.

Submissions (2):

Blueprint Genetics
Classification: Likely benign. Last evaluated: 2024-11-14. Review status: criteria provided, single submitter. Criteria: ACMG Guidelines, 2015. Collection method: clinical testing. Allele origin: germline.

Ambry Genetics
Classification: Uncertain significance for Cardiovascular phenotype. Last evaluated: 2017-01-05. Review status: criteria provided, single submitter. Criteria: Ambry Variant Classification Scheme 2023. Collection method: clinical testing. Allele origin: germline.
Comment: The p.R12650W variant (also known as c.37948C>T), located in coding exon 138 of the TTN gene, results from a C to T substitution at nucleotide position 37948. The arginine at codon 12650 is replaced by tryptophan, an amino acid with dissimilar properties, and is located in the A-band region of the N2-B isoform of the titin protein. This amino acid position is well conserved in available vertebrate species. In addition, this alteration is predicted to be tolerated by in silico analysis. Since supporting evidence is limited at this time, the clinical significance of this alteration remains unclear.

NM_001267550.2(TTN):c.65143C>T (p.Arg21715Trp)

Genes: TTN (titin; minus strand), TTN-AS1 (TTN antisense RNA 1; plus strand). Cytogenetic location: 2q31.2.
Variant type: single nucleotide variant.
Coding change: c.65143C>T on transcript NM_001267550.2 (MANE Select); coding-DNA position 65143, C replaced by T.
Protein change: p.Arg21715Trp; replaces arginine 21715 with tryptophan.
Molecular consequence: missense variant.
Genome position (GRCh38, 1-based): chr2:178,584,408, G>A on the plus strand (C>T on the coding strand, the complement: TTN is on the minus strand). VCF-style: chr2-178584408-G-A. GRCh37 (hg19) VCF-style: chr2-179449135-G-A.
Other names: c.60220C>T, p.Arg20074Trp (NM_001256850.1); c.37948C>T, p.Arg12650Trp (NM_003319.4); c.57439C>T, p.Arg19147Trp (NM_133378.4); c.38323C>T, p.Arg12775Trp (NM_133432.3); c.38524C>T, p.Arg12842Trp (NM_133437.4); short protein forms R12650W, R21715W, R20074W, R12842W, R19147W, R12775W.
Identifiers: ClinVar variation 518971 (VCV000518971.6), dbSNP rs766522121, ClinGen allele CA1991773.